The following is an entry in ClinVar:

NC_000010.11:g.(93704377_?)_(?_93785620)del

Gene: LGI1 (leucine rich glioma inactivated 1; plus strand). Cytogenetic location: 10q23.33.
Variant type: Deletion.
Other names: 81-KB DEL.
Identifiers: ClinVar variation 208479 (VCV000208479.3).

ClinVar aggregate classification (germline): Pathogenic. Review status: no assertion criteria provided (0 of 4 stars). 2 submissions from 2 submitters: Pathogenic (2). Last evaluated 2015-08-27.

Conditions:
Epilepsy, familial temporal lobe, 1. Identifiers: Orphanet 101046, MedGen CN030884, MONDO:0700090, OMIM 600512.

Submissions (2):

GeneReviews
Classification: Pathogenic for Epilepsy, lateral temporal lobe, autosomal dominant. Last evaluated: 2015-08-27. Review status: no assertion criteria provided. Collection method: literature only. Allele origin: germline. Affected: yes.
Comment: Deletes exons 1-4 and maps between rs11187602 and rs7099034 [Fanciulli et al 2012 (PMID:22496201)]

OMIM
Classification: Pathogenic for EPILEPSY, FAMILIAL TEMPORAL LOBE, 1. Last evaluated: 2012-04-24. Review status: no assertion criteria provided. Collection method: literature only. Allele origin: germline.

Literature cited by the submitters: PubMed 22496201 (cited by GeneReviews and OMIM).